The following is an entry in ClinVar:

NM_005502.4(ABCA1):c.5317G>A (p.Val1773Met)

Gene: ABCA1 (ATP binding cassette subfamily A member 1; minus strand). Cytogenetic location: 9q31.1.
Variant type: single nucleotide variant.
Coding change: c.5317G>A on transcript NM_005502.4 (MANE Select); coding-DNA position 5317, G replaced by A.
Protein change: p.Val1773Met; replaces valine 1773 with methionine.
Molecular consequence: missense variant.
Genome position (GRCh38, 1-based): chr9:104,796,118, C>T on the plus strand (G>A on the coding strand, the complement: ABCA1 is on the minus strand). VCF-style: chr9-104796118-C-T. GRCh37 (hg19) VCF-style: chr9-107558399-C-T.
Other names: short protein forms V1773M.
Identifiers: ClinVar variation 2160254 (VCV002160254.1), dbSNP rs370103164, ClinGen allele CA5167884.

ClinVar aggregate classification (germline): Uncertain significance (1 of 4 stars; one submission).

Allele frequency attached by ClinVar (database versions not stated): gnomAD 0.00001; ExAC 0.00002; TOPMed 0.00002.

Submission:

Labcorp Genetics (formerly Invitae), Labcorp
Classification: Uncertain significance. Last evaluated: 2022-08-19. Review status: criteria provided, single submitter. Criteria: Invitae Variant Classification Sherloc (09022015). Collection method: clinical testing. Allele origin: germline.
Comment: This sequence change replaces valine, which is neutral and non-polar, with methionine, which is neutral and non-polar, at codon 1773 of the ABCA1 protein (p.Val1773Met). This variant is present in population databases (rs370103164, gnomAD 0.006%). This variant has not been reported in the literature in individuals affected with ABCA1-related conditions. Advanced modeling of protein sequence and biophysical properties (such as structural, functional, and spatial information, amino acid conservation, physicochemical variation, residue mobility, and thermodynamic stability) performed at Invitae indicates that this missense variant is not expected to disrupt ABCA1 protein function. In summary, the available evidence is currently insufficient to determine the role of this variant in disease. Therefore, it has been classified as a Variant of Uncertain Significance.